The following is an entry in ClinVar:

ClinVar aggregate classification (germline): Uncertain significance. Review status: criteria provided, multiple submitters, no conflicts (2 of 4 stars). 2 submissions from 2 submitters: Uncertain significance (2). Last evaluated 2026-06-22.

Conditions:
Arrhythmogenic right ventricular dysplasia 10. Also called: Arrhythmogenic Right Ventricular Dysplasia/Cardiomyopathy10; ARRHYTHMOGENIC RIGHT VENTRICULAR DYSPLASIA, FAMILIAL, 10; Arrhythmogenic right ventricular dysplasia/cardiomyopathy, type 10. Identifiers: MedGen C1857777, MONDO:0012434, OMIM 610193.
Cardiovascular phenotype. Identifiers: MedGen CN230736.

Allele frequency attached by ClinVar (database versions not stated): TOPMed below 0.00001.

Submissions (2):

Ambry Genetics
Classification: Uncertain significance for Cardiovascular phenotype. Last evaluated: 2026-06-22. Review status: criteria provided, single submitter. Criteria: Ambry Variant Classification Scheme 2023. Collection method: clinical testing. Allele origin: germline.
Comment: The p.P42L variant (also known as c.125C>T), located in coding exon 3 of the DSG2 gene, results from a C to T substitution at nucleotide position 125. The proline at codon 42 is replaced by leucine, an amino acid with similar properties. This amino acid position is conserved. In addition, this alteration is predicted to be tolerated by in silico analysis. Based on the available evidence, the clinical significance of this variant remains unclear.

Labcorp Genetics (formerly Invitae), Labcorp
Classification: Uncertain significance for Arrhythmogenic right ventricular dysplasia 10. Last evaluated: 2022-09-20. Review status: criteria provided, single submitter. Criteria: Invitae Variant Classification Sherloc (09022015). Collection method: clinical testing. Allele origin: germline.
Comment: In summary, the available evidence is currently insufficient to determine the role of this variant in disease. Therefore, it has been classified as a Variant of Uncertain Significance. Advanced modeling of protein sequence and biophysical properties (such as structural, functional, and spatial information, amino acid conservation, physicochemical variation, residue mobility, and thermodynamic stability) performed at Invitae indicates that this missense variant is not expected to disrupt DSG2 protein function. This variant has not been reported in the literature in individuals affected with DSG2-related conditions. This variant is not present in population databases (gnomAD no frequency). This sequence change replaces proline, which is neutral and non-polar, with leucine, which is neutral and non-polar, at codon 42 of the DSG2 protein (p.Pro42Leu).

NM_001943.5(DSG2):c.125C>T (p.Pro42Leu)

Gene: DSG2 (desmoglein 2; plus strand). Cytogenetic location: 18q12.1.
Variant type: single nucleotide variant.
Coding change: c.125C>T on transcript NM_001943.5 (MANE Select); coding-DNA position 125, C replaced by T.
Protein change: p.Pro42Leu; replaces proline 42 with leucine.
Molecular consequence: missense variant.
Genome position (GRCh38, 1-based): chr18:31,519,846, C>T. VCF-style: chr18-31519846-C-T. GRCh37 (hg19) VCF-style: chr18-29099809-C-T.
Other names: short protein forms P42L.
Identifiers: ClinVar variation 2146731 (VCV002146731.6), dbSNP rs1047766400, ClinGen allele CA297728429.
Genomic context (GRCh38, chr18:31,519,846, plus strand): 5'-ATATTCTATTGTTATAGGTCTTAAGCACAAGAAATGAAAATAAGCTGCTTCCTAAACATC[C>T]TCATTTAGTGCGGCAAAAGCGCGCCTGGATCACCGCCCCCGTGGCTCTTCGGGAGGGAGA-3'
Protein context (NP_001934.2, residues 32-52): RNENKLLPKH[Pro42Leu]HLVRQKRAWI